The following is an entry in ClinVar:

NM_001041.4(SI):c.2758A>G (p.Lys920Glu)

Gene: SI (sucrase-isomaltase; minus strand). Cytogenetic location: 3q26.1.
Variant type: single nucleotide variant.
Coding change: c.2758A>G on transcript NM_001041.4 (MANE Select); coding-DNA position 2758, A replaced by G.
Protein change: p.Lys920Glu; replaces lysine 920 with glutamic acid.
Molecular consequence: missense variant.
Genome position (GRCh38, 1-based): chr3:165,030,846, T>C on the plus strand (A>G on the coding strand, the complement: SI is on the minus strand). VCF-style: chr3-165030846-T-C. GRCh37 (hg19) VCF-style: chr3-164748634-T-C.
Other names: short protein forms K920E.
Identifiers: ClinVar variation 1461323 (VCV001461323.6), dbSNP rs757794819, ClinGen allele CA2690498.

ClinVar aggregate classification (germline): Uncertain significance (1 of 4 stars; one submission).

Allele frequency attached by ClinVar (database versions not stated): gnomAD exomes below 0.00001; ExAC 0.00001.
gnomAD v4.1: 4 of 1,566,568 alleles (0.00026%); highest among the groups gnomAD compares: South Asian, 0.0046%; no homozygotes.

Submission:

Labcorp Genetics (formerly Invitae), Labcorp
Classification: Uncertain significance. Last evaluated: 2023-12-18. Review status: criteria provided, single submitter. Criteria: Invitae Variant Classification Sherloc (09022015). Collection method: clinical testing. Allele origin: germline.
Comment: This sequence change replaces lysine, which is basic and polar, with glutamic acid, which is acidic and polar, at codon 920 of the SI protein (p.Lys920Glu). This variant is present in population databases (rs757794819, gnomAD 0.003%). This variant has not been reported in the literature in individuals affected with SI-related conditions. ClinVar contains an entry for this variant (Variation ID: 1461323). Advanced modeling of protein sequence and biophysical properties (such as structural, functional, and spatial information, amino acid conservation, physicochemical variation, residue mobility, and thermodynamic stability) has been performed at Invitae for this missense variant, however the output from this modeling did not meet the statistical confidence thresholds required to predict the impact of this variant on SI protein function. In summary, the available evidence is currently insufficient to determine the role of this variant in disease. Therefore, it has been classified as a Variant of Uncertain Significance.